The following is an entry in ClinVar:

ClinVar aggregate classification (germline): Uncertain significance (1 of 4 stars; one submission).

Allele frequency attached by ClinVar (database versions not stated): gnomAD exomes below 0.00001.

Submission:

Labcorp Genetics (formerly Invitae), Labcorp
Classification: Uncertain significance. Last evaluated: 2022-04-10. Review status: criteria provided, single submitter. Criteria: Invitae Variant Classification Sherloc (09022015). Collection method: clinical testing. Allele origin: germline.
Comment: In summary, the available evidence is currently insufficient to determine the role of this variant in disease. Therefore, it has been classified as a Variant of Uncertain Significance. This variant has not been reported in the literature in individuals affected with DNAJC17-related conditions. This variant is present in population databases (no rsID available, gnomAD 0.0009%). This sequence change creates a premature translational stop signal (p.Tyr72Hisfs*26) in the DNAJC17 gene. It is expected to result in an absent or disrupted protein product. However, the current clinical and genetic evidence is not sufficient to establish whether loss-of-function variants in DNAJC17 cause disease.

NM_018163.3(DNAJC17):c.212_213dup (p.Tyr72fs)

Gene: DNAJC17 (DnaJ heat shock protein family (Hsp40) member C17; minus strand). Cytogenetic location: 15q15.1.
Variant type: Duplication.
Coding change: c.212_213dup on transcript NM_018163.3 (MANE Select); coding-DNA positions 212 to 213, 2 bases duplicated (CA; older notation c.212_213dupCA).
Protein change: p.Tyr72fs; shifts the reading frame from tyrosine 72.
Molecular consequence: frameshift variant.
Genome position (GRCh38, 1-based): chr15:40,779,305-40,779,306, TG duplicated on the plus strand (CA on the coding strand, the reverse complement: DNAJC17 is on the minus strand). VCF-style (leftmost placement, unchanged base first): chr15-40779304-A-ATG. GRCh37 (hg19) VCF-style: chr15-41071502-A-ATG.
Other names: short protein forms Y72fs.
Identifiers: ClinVar variation 1964754 (VCV001964754.5), dbSNP rs1223165035, ClinGen allele CA617252360.